The following is an entry in ClinVar:

NM_000535.7(PMS2):c.2140C>G (p.Gln714Glu)

Gene: PMS2 (PMS1 homolog 2, mismatch repair system component; minus strand). Cytogenetic location: 7p22.1.
Variant type: single nucleotide variant.
Coding change: c.2140C>G on transcript NM_000535.7 (MANE Select); coding-DNA position 2140, C replaced by G.
Protein change: p.Gln714Glu; replaces glutamine 714 with glutamic acid.
Molecular consequence: missense variant. On other transcripts: non-coding transcript variant (1), intron variant (4).
Genome position (GRCh38, 1-based): chr7:5,982,858, G>C on the plus strand (C>G on the coding strand, the complement: PMS2 is on the minus strand). VCF-style: chr7-5982858-G-C. GRCh37 (hg19) VCF-style: chr7-6022489-G-C.
Other names: c.2140C>G (NM_000535.6); c.1735C>G, p.Gln579Glu (NM_001018040.1, NM_001322003.2, NM_001322004.2 and 15 more transcripts); c.1984C>G, p.Gln662Glu (NM_001322006.2, NM_001406870.1); c.1822C>G, p.Gln608Glu (NM_001322007.2, NM_001322008.2, NM_001406876.1 and 1 more transcripts); c.2140C>G, p.Gln714Glu (NM_001406871.1, NM_001322014.2); c.1942C>G, p.Gln648Glu (NM_001406873.1); c.1972C>G, p.Gln658Glu (NM_001406874.1); c.1831C>G, p.Gln611Glu (NM_001406875.1, NM_001406877.1, NM_001406878.1 and 5 more transcripts); and 17 more; short protein forms Q403E, Q556E, Q559E, Q592E, Q606E, Q608E, Q611E, Q714E.
Identifiers: ClinVar variation 2874276 (VCV002874276.4), dbSNP rs1057524433, ClinGen allele CA366737905.

ClinVar aggregate classification (germline): Uncertain significance. Review status: criteria provided, single submitter (1 of 4 stars). 2 submissions from 2 submitters: Uncertain significance (1). 1 of the submissions does not count toward it. Last evaluated 2023-11-18.

Conditions:
PMS2-related disorder. Also called: PMS2-related condition.
Hereditary nonpolyposis colorectal neoplasms. Identifiers: MedGen C0009405, MeSH D003123.

Submissions (2):

Labcorp Genetics (formerly Invitae), Labcorp
Classification: Uncertain significance for Hereditary nonpolyposis colorectal neoplasms. Last evaluated: 2023-11-18. Review status: criteria provided, single submitter. Criteria: Invitae Variant Classification Sherloc (09022015). Collection method: clinical testing. Allele origin: germline.
Comment: This sequence change replaces glutamine, which is neutral and polar, with glutamic acid, which is acidic and polar, at codon 714 of the PMS2 protein (p.Gln714Glu). The frequency data for this variant in the population databases (gnomAD) is considered unreliable due to the presence of homologous sequence, such as pseudogenes or paralogs, in the genome. This variant has not been reported in the literature in individuals affected with PMS2-related conditions. Advanced modeling of protein sequence and biophysical properties (such as structural, functional, and spatial information, amino acid conservation, physicochemical variation, residue mobility, and thermodynamic stability) performed at Invitae indicates that this missense variant is not expected to disrupt PMS2 protein function with a negative predictive value of 80%. In summary, the available evidence is currently insufficient to determine the role of this variant in disease. Therefore, it has been classified as a Variant of Uncertain Significance.

PreventionGenetics, part of Exact Sciences
Classification: Uncertain significance for PMS2-related condition. Last evaluated: 2024-03-20. Review status: no assertion criteria provided. Collection method: clinical testing. Allele origin: germline. Not counted in ClinVar's aggregate classification.
Comment: The PMS2 c.2140C>G variant is predicted to result in the amino acid substitution p.Gln714Glu. To our knowledge, this variant has not been reported in the literature or in a large population database, indicating this variant is rare. At this time, the clinical significance of this variant is uncertain due to the absence of conclusive functional and genetic evidence.